The following is an entry in ClinVar:

NM_003280.3(TNNC1):c.321T>G (p.Asn107Lys)

Gene: TNNC1 (troponin C1, slow skeletal and cardiac type; minus strand). Cytogenetic location: 3p21.1.
Variant type: single nucleotide variant.
Coding change: c.321T>G on transcript NM_003280.3 (MANE Select); coding-DNA position 321, T replaced by G.
Protein change: p.Asn107Lys; replaces asparagine 107 with lysine.
Molecular consequence: missense variant.
Genome position (GRCh38, 1-based): chr3:52,451,524, A>C on the plus strand (T>G on the coding strand, the complement: TNNC1 is on the minus strand). VCF-style: chr3-52451524-A-C. GRCh37 (hg19) VCF-style: chr3-52485540-A-C.
Other names: short protein forms N107K.
Identifiers: ClinVar variation 1721090 (VCV001721090.7), dbSNP rs2153229919, ClinGen allele CA353166231.

ClinVar aggregate classification (germline): Uncertain significance. Review status: criteria provided, multiple submitters, no conflicts (2 of 4 stars). 3 submissions from 3 submitters: Uncertain significance (3). Last evaluated 2025-01-15.

Conditions:
Cardiovascular phenotype. Identifiers: MedGen CN230736.
Dilated cardiomyopathy 1Z (CMD1Z). Identifiers: Orphanet 154, MedGen C2678475, MONDO:0012745, OMIM 611879.
Hypertrophic cardiomyopathy 13. Also called: TNNC1-Related Familial Hypertrophic Cardiomyopathy. Identifiers: MedGen C2750472, MONDO:0013195, OMIM 613243.

Submissions (3):

Ambry Genetics
Classification: Uncertain significance for Cardiovascular phenotype. Last evaluated: 2025-01-15. Review status: criteria provided, single submitter. Criteria: Ambry Variant Classification Scheme 2023. Collection method: clinical testing. Allele origin: germline.
Comment: The p.N107K variant (also known as c.321T>G), located in coding exon 5 of the TNNC1 gene, results from a T to G substitution at nucleotide position 321. The asparagine at codon 107 is replaced by lysine, an amino acid with similar properties. This amino acid position is highly conserved in available vertebrate species. In addition, this alteration is predicted to be tolerated by in silico analysis. Based on the available evidence, the clinical significance of this variant remains unclear.

3billion
Classification: Uncertain significance for Dilated cardiomyopathy 1Z. Last evaluated: 2024-06-14. Review status: criteria provided, single submitter. Criteria: ACMG Guidelines, 2015. Collection method: clinical testing. Allele origin: germline. Affected: yes.
Comment: The variant is not observed in the gnomAD v4.0.0 dataset. Predicted Consequence/Location: Missense changes are a common disease-causing mechanism. In silico tool predictions suggest damaging effect of the variant on gene or gene product [3Cnet: 0.98 (>=0.6, sensitivity 0.72 and precision 0.9)]. Therefore, this variant is classified as VUS according to the recommendation of ACMG/AMP guideline.

Labcorp Genetics (formerly Invitae), Labcorp
Classification: Uncertain significance for Hypertrophic cardiomyopathy 13; Dilated cardiomyopathy 1Z. Last evaluated: 2022-12-20. Review status: criteria provided, single submitter. Criteria: Invitae Variant Classification Sherloc (09022015). Collection method: clinical testing. Allele origin: germline.
Comment: This sequence change replaces asparagine, which is neutral and polar, with lysine, which is basic and polar, at codon 107 of the TNNC1 protein (p.Asn107Lys). This variant is not present in population databases (gnomAD no frequency). This variant has not been reported in the literature in individuals affected with TNNC1-related conditions. ClinVar contains an entry for this variant (Variation ID: 1721090). Algorithms developed to predict the effect of missense changes on protein structure and function are either unavailable or do not agree on the potential impact of this missense change (SIFT: "Tolerated"; PolyPhen-2: "Probably Damaging"; Align-GVGD: "Class C0"). Algorithms developed to predict the effect of sequence changes on RNA splicing suggest that this variant may create or strengthen a splice site. In summary, the available evidence is currently insufficient to determine the role of this variant in disease. Therefore, it has been classified as a Variant of Uncertain Significance.